The following is an entry in ClinVar:

ClinVar aggregate classification (germline): Uncertain significance. Review status: criteria provided, multiple submitters, no conflicts (2 of 4 stars). 3 submissions from 3 submitters: Uncertain significance (3). Last evaluated 2026-02-24.

Conditions:
Inborn genetic diseases. Identifiers: MedGen C0950123, MeSH D030342.
Bethlem myopathy 1A. Also called: MYOPATHY, BENIGN CONGENITAL, WITH CONTRACTURES; Bethlem myopathy 1; Bethlem Muscular Dystrophy. Identifiers: Orphanet 610, MedGen CN029274, MONDO:0024530, OMIM 158810.

gnomAD v4.1: 1 of 1,613,956 alleles (0.000062%); highest among the groups gnomAD compares: Non-Finnish European, 0.000085%; no homozygotes.

Submissions (3):

Ambry Genetics
Classification: Uncertain significance for Inborn genetic diseases. Last evaluated: 2026-02-24. Review status: criteria provided, single submitter. Criteria: Ambry Variant Classification Scheme 2023. Collection method: clinical testing. Allele origin: germline.

Labcorp Genetics (formerly Invitae), Labcorp
Classification: Uncertain significance for Bethlem myopathy 1A. Last evaluated: 2025-06-12. Review status: criteria provided, single submitter. Criteria: Invitae Variant Classification Sherloc (09022015). Collection method: clinical testing. Allele origin: germline.
Comment: This sequence change replaces alanine, which is neutral and non-polar, with glycine, which is neutral and non-polar, at codon 383 of the COL6A3 protein (p.Ala383Gly). This variant is not present in population databases (gnomAD no frequency). This variant has not been reported in the literature in individuals affected with COL6A3-related conditions. ClinVar contains an entry for this variant (Variation ID: 2440421). Invitae Evidence Modeling of protein sequence and biophysical properties (such as structural, functional, and spatial information, amino acid conservation, physicochemical variation, residue mobility, and thermodynamic stability) indicates that this missense variant is not expected to disrupt COL6A3 protein function with a negative predictive value of 95%. In summary, the available evidence is currently insufficient to determine the role of this variant in disease. Therefore, it has been classified as a Variant of Uncertain Significance.

Revvity Omics, Revvity
Classification: Uncertain significance. Last evaluated: 2022-09-20. Review status: criteria provided, single submitter. Criteria: ACMG Guidelines, 2015. Collection method: clinical testing. Allele origin: germline.

NM_004369.4(COL6A3):c.1148C>G (p.Ala383Gly)

Gene: COL6A3 (collagen type VI alpha 3 chain; minus strand). Cytogenetic location: 2q37.3.
Variant type: single nucleotide variant.
Coding change: c.1148C>G on transcript NM_004369.4 (MANE Select); coding-DNA position 1148, C replaced by G.
Protein change: p.Ala383Gly; replaces alanine 383 with glycine.
Molecular consequence: missense variant. On other transcripts: intron variant (2).
Genome position (GRCh38, 1-based): chr2:237,387,746, G>C on the plus strand (C>G on the coding strand, the complement: COL6A3 is on the minus strand). VCF-style: chr2-237387746-G-C. GRCh37 (hg19) VCF-style: chr2-238296389-G-C.
Other names: c.530C>G, p.Ala177Gly (NM_057165.5, NM_057167.4); c.92-6247C>G (NM_057166.5, NM_057164.5); short protein forms A177G, A383G.
Identifiers: ClinVar variation 2440421 (VCV002440421.5), dbSNP rs549318151, ClinGen allele CA351221528.